The following is an entry in ClinVar:

ClinVar aggregate classification (germline): Pathogenic. Review status: reviewed by expert panel (3 of 4 stars). 3 submissions from 3 submitters: Pathogenic (1). 2 of the submissions do not count toward it. Last evaluated 2016-10-18.

Conditions:
Breast-ovarian cancer, familial, susceptibility to, 2 (BROVCA2). Also called: BRCA2 Hereditary Breast and Ovarian Cancer. Identifiers: Orphanet 145, MedGen C2675520, MONDO:0012933, OMIM 612555. Disease mechanism: loss of function.

Submissions (3):

Evidence-based Network for the Interpretation of Germline Mutant Alleles (ENIGMA)
Classification: Pathogenic for Breast-ovarian cancer, familial, susceptibility to, 2. Last evaluated: 2016-10-18. Review status: reviewed by expert panel. Criteria: ENIGMA BRCA1/2 Classification Criteria (2015). Collection method: curation. Allele origin: germline.
Comment: Variant allele predicted to encode a truncated non-functional protein.

Institute for Clinical Genetics, University Hospital TU Dresden, University Hospital TU Dresden
Classification: Pathogenic. Last evaluated: 2021-11-03. Review status: criteria provided, single submitter. Criteria: ACMG Guidelines, 2015. Collection method: clinical testing. Allele origin: germline. Not counted in ClinVar's aggregate classification.

Consortium of Investigators of Modifiers of BRCA1/2 (CIMBA), c/o University of Cambridge
Classification: Pathogenic for Breast-ovarian cancer, familial, susceptibility to, 2. Last evaluated: 2015-10-02. Review status: criteria provided, single submitter. Criteria: CIMBA Mutation Classification guidelines May 2016. Collection method: clinical testing. Allele origin: germline. Not counted in ClinVar's aggregate classification.

NM_000059.4(BRCA2):c.470dup (p.Ser158fs)

Gene: BRCA2 (BRCA2 DNA repair associated; plus strand). Cytogenetic location: 13q13.1.
Variant type: Duplication.
Coding change: c.470dup on transcript NM_000059.4 (MANE Select); coding-DNA position 470, one base duplicated (A; older notation c.470dupA).
Protein change: p.Ser158fs; shifts the reading frame from serine 158.
Molecular consequence: frameshift variant.
Genome position (GRCh38, 1-based): chr13:32,326,145, A duplicated; the last of 2 consecutive A bases (chr13:32,326,144-32,326,145); duplicating either gives the same sequence. VCF-style (leftmost placement, unchanged base first): chr13-32326143-T-TA. GRCh37 (hg19) VCF-style: chr13-32900280-T-TA.
Other names: 698insA; short protein forms S158fs.
Identifiers: ClinVar variation 266827 (VCV000266827.8), dbSNP rs886040544, ClinGen allele CA10589028.